The following is an entry in ClinVar:

NM_000138.5(FBN1):c.863-283C>T

Gene: FBN1 (fibrillin 1; minus strand). Cytogenetic location: 15q21.1.
Variant type: single nucleotide variant.
Coding change: c.863-283C>T on transcript NM_000138.5 (MANE Select); 283 bases into the intron before coding-DNA position 863, C replaced by T.
Molecular consequence: intron variant.
Genome position (GRCh38, 1-based): chr15:48,526,538, G>A on the plus strand (C>T on the coding strand, the complement: FBN1 is on the minus strand). VCF-style: chr15-48526538-G-A. GRCh37 (hg19) VCF-style: chr15-48818735-G-A.
Identifiers: ClinVar variation 680950 (VCV000680950.1), dbSNP rs73394223, ClinGen allele CA269567361.
Genomic context (GRCh38, chr15:48,526,538, plus strand): 5'-ATGAAATCACCCCCCTTTAAAATCTAAACCTGTGTACTGTTGTTTCACCAAGTAACTATA[G>A]CATGTTAATGTTACAAATGTCATTTATTTTAAAATTTTGTTTTCCTTTTGTTTCCATGTT-3'

ClinVar aggregate classification (germline): Benign (1 of 4 stars; one submission).

Allele frequency attached by ClinVar (database versions not stated): gnomAD 0.07746 and 0.08351; TOPMed 0.08785; 1000 Genomes Project 0.08786; 1000 Genomes Project 30x 0.09635.
gnomAD v4.1: 11,663 of 152,204 alleles (7.7%); highest among the groups gnomAD compares: African/African-American, 27%; 1,561 homozygotes.

Submission:

GeneDx
Classification: Benign. Last evaluated: 2018-06-14. Review status: criteria provided, single submitter. Criteria: GeneDx Variant Classification (06012015). Collection method: clinical testing. Allele origin: germline. Affected: yes.
Comment: This variant is considered likely benign or benign based on one or more of the following criteria: it is a conservative change, it occurs at a poorly conserved position in the protein, it is predicted to be benign by multiple in silico algorithms, and/or has population frequency not consistent with disease.